The following is an entry in ClinVar:

NM_194454.3(KRIT1):c.1549G>T (p.Glu517Ter)

Gene: KRIT1 (KRIT1 ankyrin repeat containing; minus strand). Cytogenetic location: 7q21.2.
Variant type: single nucleotide variant.
Coding change: c.1549G>T on transcript NM_194454.3 (MANE Select); coding-DNA position 1549, G replaced by T.
Protein change: p.Glu517Ter; replaces glutamic acid 517 with a stop codon.
Molecular consequence: nonsense.
Genome position (GRCh38, 1-based): chr7:92,221,916, C>A on the plus strand (G>T on the coding strand, the complement: KRIT1 is on the minus strand). VCF-style: chr7-92221916-C-A. GRCh37 (hg19) VCF-style: chr7-91851230-C-A.
Other names: c.1405G>T, p.Glu469Ter (NM_001013406.2, NM_001350669.1, NM_001350670.1); c.835G>T, p.Glu279Ter (NM_001350671.1); c.1549G>T, p.Glu517Ter (NM_001350672.1, NM_001350673.1, NM_001350674.1 and 26 more transcripts); short protein forms E469*, E517*, E279*.
Identifiers: ClinVar variation 2855319 (VCV002855319.3), dbSNP rs2535818867, ClinGen allele CA368145433.
Genomic context (GRCh38, chr7:92,221,916, plus strand): 5'-AGATTTTGTGCATTTAAATAACTGTAAATAAGATTTCCAAGCAAACCTGTTTTTCAACTT[C>A]CAAGGGAAGTCTCACATCTCTTCTTAGAAAAAGCTGAGGTGTTTCCCTTTGAGGATCCAG-3'

ClinVar aggregate classification (germline): Pathogenic (1 of 4 stars; one submission).

Conditions:
Cerebral cavernous malformation (CCM). Also called: Cerebral cavernous malformations; Cavernous Hemangioma of Brain; CAVERNOUS ANGIOMA, FAMILIAL; CAVERNOUS ANGIOMATOUS MALFORMATIONS; CEREBRAL CAPILLARY MALFORMATIONS; Cerebral cavernous hemangioma (type). Identifiers: Orphanet 221061, MedGen C2919945, MONDO:0000820, OMIM 116860, HP:0033522.

Submission:

Labcorp Genetics (formerly Invitae), Labcorp
Classification: Pathogenic for Cerebral cavernous malformation. Last evaluated: 2023-04-12. Review status: criteria provided, single submitter. Criteria: Invitae Variant Classification Sherloc (09022015). Collection method: clinical testing. Allele origin: germline.
Comment: For these reasons, this variant has been classified as Pathogenic. Algorithms developed to predict the effect of sequence changes on RNA splicing suggest that this variant may disrupt the consensus splice site. This variant has not been reported in the literature in individuals affected with KRIT1-related conditions. This variant is not present in population databases (gnomAD no frequency). This sequence change creates a premature translational stop signal (p.Glu517*) in the KRIT1 gene. It is expected to result in an absent or disrupted protein product. Loss-of-function variants in KRIT1 are known to be pathogenic (PMID: 10508515, 11222804, 12404106, 24689081).

Literature cited by the submitters: PubMed 10508515; PubMed 11222804; PubMed 12404106; PubMed 24689081.